The following is an entry in ClinVar:

NM_002470.4(MYH3):c.3996C>T (p.His1332=)

Gene: MYH3 (myosin heavy chain 3; minus strand). Cytogenetic location: 17p13.1.
Variant type: single nucleotide variant.
Coding change: c.3996C>T on transcript NM_002470.4 (MANE Select); coding-DNA position 3996, C replaced by T.
Protein change: p.His1332=; no amino-acid change (histidine 1332 retained).
Molecular consequence: synonymous variant.
Genome position (GRCh38, 1-based): chr17:10,635,543, G>A on the plus strand (C>T on the coding strand, the complement: MYH3 is on the minus strand). VCF-style: chr17-10635543-G-A. GRCh37 (hg19) VCF-style: chr17-10538860-G-A.
Other names: c.3996C>T (NM_002470.3).
Identifiers: ClinVar variation 2867861 (VCV002867861.5), dbSNP rs200128580, ClinGen allele CA8392335.

ClinVar aggregate classification (germline): Likely benign. Review status: criteria provided, single submitter (1 of 4 stars). 2 submissions from 2 submitters: Likely benign (1). 1 of the submissions does not count toward it. Last evaluated 2025-08-04.

Conditions:
MYH3-related disorder. Also called: MYH3-Related Disorders; MYH3-related condition. Identifiers: MedGen CN239329.

Allele frequency attached by ClinVar (database versions not stated): TOPMed 0.00002.
gnomAD v4.1: 148 of 1,614,130 alleles (0.0092%); highest among the groups gnomAD compares: Non-Finnish European, 0.012%; no homozygotes.

Submissions (2):

Labcorp Genetics (formerly Invitae), Labcorp
Classification: Likely benign. Last evaluated: 2025-08-04. Review status: criteria provided, single submitter. Criteria: Invitae Variant Classification Sherloc (09022015). Collection method: clinical testing. Allele origin: germline.

PreventionGenetics, part of Exact Sciences
Classification: Likely benign for MYH3-related condition. Last evaluated: 2021-08-19. Review status: no assertion criteria provided. Collection method: clinical testing. Allele origin: germline. Not counted in ClinVar's aggregate classification.
Comment: This variant is classified as likely benign based on ACMG/AMP sequence variant interpretation guidelines (Richards et al. 2015 PMID: 25741868, with internal and published modifications).